The following is an entry in ClinVar:

ClinVar aggregate classification (germline): Uncertain significance (1 of 4 stars; one submission).

Submission:

Athena Diagnostics
Classification: Uncertain significance. Last evaluated: 2024-02-01. Review status: criteria provided, single submitter. Criteria: Athena Diagnostics Criteria. Collection method: clinical testing. Allele origin: unknown.
Comment: Available data are insufficient to determine the clinical significance of the variant at this time. This variant has been identified in at least one individual with clinical features associated with this gene. This variant has not been reported in large, multi-ethnic general populations. Computational tools predict that this variant is damaging. The variant is located in a region that is considered important for protein function and/or structure.

Literature cited by the submitters: PubMed 29980238.

NM_014946.4(SPAST):c.1412G>T (p.Gly471Val)

Gene: SPAST (spastin; plus strand). Cytogenetic location: 2p22.3.
Variant type: single nucleotide variant.
Coding change: c.1412G>T on transcript NM_014946.4 (MANE Select); coding-DNA position 1412, G replaced by T.
Protein change: p.Gly471Val; replaces glycine 471 with valine.
Molecular consequence: missense variant.
Genome position (GRCh38, 1-based): chr2:32,136,967, G>T. VCF-style: chr2-32136967-G-T. GRCh37 (hg19) VCF-style: chr2-32362036-G-T.
Other names: c.1409G>T, p.Gly470Val (NM_001363823.2); c.1313G>T, p.Gly438Val (NM_001363875.2); c.1316G>T, p.Gly439Val (NM_001377959.1, NM_199436.2); short protein forms G471V, G470V, G438V, G439V.
Identifiers: ClinVar variation 3571794 (VCV003571794.1).